The following is an entry in ClinVar:

NM_024649.5(BBS1):c.1753C>A (p.Pro585Thr)

Genes: BBS1 (Bardet-Biedl syndrome 1; plus strand), ZDHHC24 (zDHHC palmitoyltransferase 24; minus strand). Cytogenetic location: 11q13.2.
Variant type: single nucleotide variant.
Coding change: c.1753C>A on transcript NM_024649.5 (MANE Select); coding-DNA position 1753, C replaced by A.
Protein change: p.Pro585Thr; replaces proline 585 with threonine.
Molecular consequence: missense variant. On other transcripts: intron variant (1).
Genome position (GRCh38, 1-based): chr11:66,532,008, C>A. VCF-style: chr11-66532008-C-A. GRCh37 (hg19) VCF-style: chr11-66299479-C-A.
Other names: c.560-2520G>T (NM_001348571.2); short protein forms P585T.
Identifiers: ClinVar variation 2003838 (VCV002003838.1), dbSNP rs779936951, ClinGen allele CA6123886.

ClinVar aggregate classification (germline): Uncertain significance (1 of 4 stars; one submission).

Conditions:
Bardet-Biedl syndrome (BBS). Identifiers: Orphanet 110, MedGen C0752166, MONDO:0015229.

Allele frequency attached by ClinVar (database versions not stated): gnomAD 0.00001; TOPMed 0.00002; ExAC 0.00004.
gnomAD v4.1: 19 of 1,607,618 alleles (0.0012%); highest among the groups gnomAD compares: Non-Finnish European, 0.0015%; no homozygotes.

Submission:

Labcorp Genetics (formerly Invitae), Labcorp
Classification: Uncertain significance for Bardet-Biedl syndrome. Last evaluated: 2021-07-31. Review status: criteria provided, single submitter. Criteria: Invitae Variant Classification Sherloc (09022015). Collection method: clinical testing. Allele origin: germline.
Comment: This sequence change replaces proline with threonine at codon 585 of the BBS1 protein (p.Pro585Thr). The proline residue is highly conserved and there is a small physicochemical difference between proline and threonine. This variant is present in population databases (rs779936951, ExAC 0.007%). This variant has not been reported in the literature in individuals affected with BBS1-related conditions. Algorithms developed to predict the effect of missense changes on protein structure and function (SIFT, PolyPhen-2, Align-GVGD) all suggest that this variant is likely to be disruptive. In summary, the available evidence is currently insufficient to determine the role of this variant in disease. Therefore, it has been classified as a Variant of Uncertain Significance.